The following is an entry in ClinVar:

NM_001267550.2(TTN):c.70222del (p.Tyr23408fs)

Genes: TTN (titin; minus strand), TTN-AS1 (TTN antisense RNA 1; plus strand), LOC126806422 (BRD4-independent group 4 enhancer GRCh37_chr2:179440205-179441404; plus strand). Cytogenetic location: 2q31.2.
Variant type: Deletion.
Coding change: c.70222del on transcript NM_001267550.2 (MANE Select); coding-DNA position 70222, one base deleted (T; older notation c.70222delT).
Protein change: p.Tyr23408fs; shifts the reading frame from tyrosine 23408.
Molecular consequence: frameshift variant.
Genome position (GRCh38, 1-based): chr2:178,575,910, A deleted on the plus strand (T on the coding strand, the reverse complement: TTN is on the minus strand). VCF-style (leftmost placement, unchanged base first): chr2-178575909-TA-T. GRCh37 (hg19) VCF-style: chr2-179440636-TA-T.
Other names: c.65299del, p.Tyr21767fs (NM_001256850.1); c.43027del, p.Tyr14343fs (NM_003319.4); c.62518del, p.Tyr20840fs (NM_133378.4); c.43402del, p.Tyr14468fs (NM_133432.3); c.43603del, p.Tyr14535fs (NM_133437.4); short protein forms Y14535fs, Y21767fs, Y23408fs, Y14343fs, Y14468fs, Y20840fs.
Identifiers: ClinVar variation 1521426 (VCV001521426.8), dbSNP rs2154172616, ClinGen allele CA2573134324.

ClinVar aggregate classification (germline): Likely pathogenic (1 of 4 stars; one submission).

Conditions:
Dilated cardiomyopathy 1G (CMD1G). Identifiers: Orphanet 154, MedGen C1858763, MONDO:0011400, OMIM 604145.
Autosomal recessive limb-girdle muscular dystrophy type 2J (LGMDR10). Also called: Limb-girdle muscular dystrophy, type 2J; MUSCULAR DYSTROPHY, LIMB-GIRDLE, AUTOSOMAL RECESSIVE 10. Identifiers: Orphanet 140922, MedGen C1837342, MONDO:0012127, OMIM 608807.

Submission:

Labcorp Genetics (formerly Invitae), Labcorp
Classification: Likely pathogenic for Dilated cardiomyopathy 1G; Autosomal recessive limb-girdle muscular dystrophy type 2J. Last evaluated: 2021-06-16. Review status: criteria provided, single submitter. Criteria: Invitae Variant Classification Sherloc (09022015). Collection method: clinical testing. Allele origin: germline.
Comment: In summary, the currently available evidence indicates that the variant is pathogenic, but additional data are needed to prove that conclusively. Therefore, this variant has been classified as Likely Pathogenic. This variant is located in the A band of TTN (PMID: 25589632). Truncating variants in this region are significantly overrepresented in patients affected with dilated cardiomyopathy (PMID: 25589632). Truncating variants in this region have also been reported in individuals affected with autosomal recessive centronuclear myopathy (PMID: 23975875). This variant has not been reported in the literature in individuals with TTN-related conditions. This sequence change creates a premature translational stop signal (p.Tyr23408Metfs*8) in the TTN gene. While this is not anticipated to result in nonsense mediated decay, it is expected to create a truncated TTN protein. This variant is not present in population databases (ExAC no frequency).

Literature cited by the submitters: PubMed 25589632; PubMed 23975875.